The following is an entry in ClinVar:

ClinVar aggregate classification (germline): Uncertain significance (1 of 4 stars; one submission).

gnomAD v4.1: 1 of 1,613,746 alleles (0.000062%); highest among the groups gnomAD compares: Non-Finnish European, 0.000085%; no homozygotes.

Submission:

Mayo Clinic Laboratories, Mayo Clinic
Classification: Uncertain significance. Last evaluated: 2025-10-01. Review status: criteria provided, single submitter. Criteria: ACMG Guidelines, 2015. Collection method: clinical testing. Allele origin: germline. Observed: 1 variant allele.
Comment: BP4_moderate, PM2_supporting

NM_012232.6(CAVIN1):c.944T>C (p.Val315Ala)

Gene: CAVIN1 (caveolae associated protein 1; minus strand). Cytogenetic location: 17q21.2.
Variant type: single nucleotide variant.
Coding change: c.944T>C on transcript NM_012232.6 (MANE Select); coding-DNA position 944, T replaced by C.
Protein change: p.Val315Ala; replaces valine 315 with alanine.
Molecular consequence: missense variant.
Genome position (GRCh38, 1-based): chr17:42,404,916, A>G on the plus strand (T>C on the coding strand, the complement: CAVIN1 is on the minus strand). VCF-style: chr17-42404916-A-G. GRCh37 (hg19) VCF-style: chr17-40556934-A-G.
Other names: p.Val315Ala; short protein forms V315A.
Identifiers: ClinVar variation 4542155 (VCV004542155.1).